The following is an entry in ClinVar:

ClinVar aggregate classification (germline): Uncertain significance (1 of 4 stars; one submission).

Allele frequency attached by ClinVar (database versions not stated): gnomAD 0.00002; gnomAD exomes 0.00002 and 0.00005; TOPMed 0.00002; ExAC 0.00005.
gnomAD v4.1: 25 of 1,180,812 alleles (0.0021%); highest among the groups gnomAD compares: Non-Finnish European, 0.00034%; no homozygotes.

Submission:

Labcorp Genetics (formerly Invitae), Labcorp
Classification: Uncertain significance. Last evaluated: 2022-09-01. Review status: criteria provided, single submitter. Criteria: Invitae Variant Classification Sherloc (09022015). Collection method: clinical testing. Allele origin: germline.
Comment: This variant has not been reported in the literature in individuals affected with CACNA1F-related conditions. In summary, the available evidence is currently insufficient to determine the role of this variant in disease. Therefore, it has been classified as a Variant of Uncertain Significance. Algorithms developed to predict the effect of missense changes on protein structure and function output the following: SIFT: "Tolerated"; PolyPhen-2: "Benign"; Align-GVGD: "Class C0". The histidine amino acid residue is found in multiple mammalian species, which suggests that this missense change does not adversely affect protein function. ClinVar contains an entry for this variant (Variation ID: 960062). This variant is present in population databases (rs782571580, gnomAD 0.06%). This sequence change replaces arginine, which is basic and polar, with histidine, which is basic and polar, at codon 459 of the CACNA1F protein (p.Arg459His).

NM_001256789.3(CACNA1F):c.1343G>A (p.Arg448His)

Gene: CACNA1F (calcium voltage-gated channel subunit alpha1 F; minus strand). Cytogenetic location: Xp11.23.
Variant type: single nucleotide variant.
Coding change: c.1343G>A on transcript NM_001256789.3 (MANE Select); coding-DNA position 1343, G replaced by A.
Protein change: p.Arg448His; replaces arginine 448 with histidine.
Molecular consequence: missense variant.
Genome position (GRCh38, 1-based): chrX:49,226,636, C>T on the plus strand (G>A on the coding strand, the complement: CACNA1F is on the minus strand). VCF-style: chrX-49226636-C-T. GRCh37 (hg19) VCF-style: chrX-49083098-C-T.
Other names: c.1181G>A, p.Arg394His (NM_001256790.3); c.1376G>A, p.Arg459His (NM_005183.4); short protein forms R459H, R394H, R448H.
Identifiers: ClinVar variation 960062 (VCV000960062.10), dbSNP rs782571580, ClinGen allele CA10410893.
Genomic context (GRCh38, chrX:49,226,636, plus strand): 5'-ACCCACCCCCACCCCAGCCTGGCTGGACCCCCACCATGGCTGCTGGTGGAGTGTGTGGAG[C>T]GAGTAGAATGACTGAACCAGCGCAGACGTCCACGCCTCCTATTGGTCAGCTCGGCCAGCT-3'
Protein context (NP_001243718.1, residues 438-458): GRLRWFSHST[Arg448His]STHSTSSHAS